The following is an entry in ClinVar:

ClinVar aggregate classification (germline): Uncertain significance (1 of 4 stars; one submission).

Submission:

GeneDx
Classification: Uncertain significance. Last evaluated: 2023-05-25. Review status: criteria provided, single submitter. Criteria: GeneDx Variant Classification Process June 2021. Collection method: clinical testing. Allele origin: germline. Affected: yes.
Comment: Not observed at significant frequency in large population cohorts (gnomAD); Frameshift variant predicted to result in protein elongation, as the last 115 amino acids are replaced with 166 different amino acids; Has not been previously published as pathogenic or benign to our knowledge

NM_001060.6(TBXA2R):c.683_684insCCACCCTGTGCCACGG (p.Gln229fs)

Gene: TBXA2R (thromboxane A2 receptor; minus strand). Cytogenetic location: 19p13.3.
Variant type: Insertion.
Coding change: c.683_684insCCACCCTGTGCCACGG on transcript NM_001060.6 (MANE Select); coding-DNA positions 683 to 684, CCACCCTGTGCCACGG inserted.
Protein change: p.Gln229fs; shifts the reading frame from glutamine 229.
Molecular consequence: frameshift variant.
Genome position: GRCh38 VCF-style: chr19-3599951-C-CCCGTGGCACAGGGTGG. GRCh37 (hg19) VCF-style: chr19-3599949-C-CCCGTGGCACAGGGTGG.
Other names: c.683_684insCCACCCTGTGCCACGG (NM_001060.5); c.683_684insCCACCCTGTGCCACGG, p.Gln229fs (NM_201636.3); short protein forms Q229fs.
Identifiers: ClinVar variation 3362146 (VCV003362146.1).